The following is an entry in ClinVar:

ClinVar aggregate classification (germline): Pathogenic (1 of 4 stars; one submission).

Conditions:
Intellectual disability, X-linked 49 (MRXSRC). Also called: MRX49; CLCN4-Related Neurodevelopmental Disorder; CLCN4-related X-linked intellectual disability syndrome; RAYNAUD-CLAES SYNDROME; MENTAL RETARDATION, X-LINKED 15. Identifiers: Orphanet 485350, Orphanet 777, MedGen C0796221, MONDO:0010250, OMIM 300114.

Submission:

Victorian Clinical Genetics Services, Murdoch Childrens Research Institute
Classification: Pathogenic for Intellectual disability, X-linked 49. Last evaluated: 2025-09-09. Review status: criteria provided, single submitter. Criteria: ACMG Guidelines, 2015. Collection method: clinical testing. Allele origin: germline. Affected: yes.
Comment: This variant is classified as Pathogenic. Evidence in support of pathogenic classification: Variant is predicted to cause nonsense-mediated decay (NMD) and loss of protein (premature termination codon is located at least 54 nucleotides upstream of the final exon-exon junction); Variant is absent from gnomAD (v2, v3 and v4); Other NMD-predicted variants comparable to the one identified in this case have very strong previous evidence for pathogenicity (DECIPHER). Additional information: This variant is heterozygous; This gene is associated with X-linked dominant disease. However, heterozygous females can be either affected (with mild to severe intellectual disability) or unaffected (PMID: 27550844); This variant has no previous evidence of pathogenicity; No published evidence of segregation with disease has been identified for this variant; No published functional evidence has been identified for this variant; Loss of function is a known mechanism of disease in this gene and is associated with Raynaud-Claes syndrome (MIM#300114). However, toxic gain of function has also been observed (PMID: 36385166). - Inheritance information for this variant is not currently available in this individual.

Literature cited by the submitters: PubMed 36385166; PubMed 27550844.

NM_001830.4(CLCN4):c.1319_1320insCGACC (p.Ala441fs)

Gene: CLCN4 (Cl-/H+ antiporter 4; plus strand). Cytogenetic location: Xp22.2.
Variant type: Insertion.
Coding change: c.1319_1320insCGACC on transcript NM_001830.4 (MANE Select); coding-DNA positions 1319 to 1320, CGACC inserted.
Protein change: p.Ala441fs; shifts the reading frame from alanine 441.
Molecular consequence: frameshift variant.
Genome position: GRCh38 VCF-style: chrX-10208519-A-ACCGAC. GRCh37 (hg19) VCF-style: chrX-10176559-A-ACCGAC.
Other names: c.1037_1038insCGACC, p.Ala347fs (NM_001256944.2); short protein forms A347fs, A441fs.
Identifiers: ClinVar variation 4532136 (VCV004532136.1).